The following is an entry in ClinVar:

NM_001134363.3(RBM20):c.1670C>A (p.Ala557Asp)

Gene: RBM20 (RNA binding motif protein 20; plus strand). Cytogenetic location: 10q25.2.
Variant type: single nucleotide variant.
Coding change: c.1670C>A on transcript NM_001134363.3 (MANE Select); coding-DNA position 1670, C replaced by A.
Protein change: p.Ala557Asp; replaces alanine 557 with aspartic acid.
Molecular consequence: missense variant.
Genome position (GRCh38, 1-based): chr10:110,799,788, C>A. VCF-style: chr10-110799788-C-A. GRCh37 (hg19) VCF-style: chr10-112559546-C-A.
Other names: short protein forms A557D.
Identifiers: ClinVar variation 470587 (VCV000470587.8), dbSNP rs1554901109, ClinGen allele CA378390620.
Genomic context (GRCh38, chr10:110,799,788, plus strand): 5'-GAATCTTGTTTAAGACCATTAAAGTCAAGTCCAGTGAGTGTCCTTCCTTTCTTTCTTAGG[C>A]CTTTTTAGAGATGGCTTACACAGAAGCTGCACAGGCCATGGTCCAGTATTATCAAGAAAA-3'
Protein context (NP_001127835.2, residues 547-567): NYILMKSTNQ[Ala557Asp]FLEMAYTEAA

ClinVar aggregate classification (germline): Uncertain significance (1 of 4 stars; one submission).

Conditions:
Dilated cardiomyopathy 1DD (CMD1DD). Identifiers: Orphanet 154, MedGen C2750995, MONDO:0013168, OMIM 613172.

gnomAD v4.1: 1 of 1,550,564 alleles (0.000064%); highest among the groups gnomAD compares: Non-Finnish European, 0.000087%; no homozygotes.

Submission:

Labcorp Genetics (formerly Invitae), Labcorp
Classification: Uncertain significance for Dilated cardiomyopathy 1DD. Last evaluated: 2024-03-07. Review status: criteria provided, single submitter. Criteria: Invitae Variant Classification Sherloc (09022015). Collection method: clinical testing. Allele origin: germline.
Comment: This sequence change replaces alanine, which is neutral and non-polar, with aspartic acid, which is acidic and polar, at codon 557 of the RBM20 protein (p.Ala557Asp). This variant is not present in population databases (gnomAD no frequency). This variant has not been reported in the literature in individuals affected with RBM20-related conditions. ClinVar contains an entry for this variant (Variation ID: 470587). An algorithm developed to predict the effect of missense changes on protein structure and function (PolyPhen-2) suggests that this variant is likely to be disruptive. In summary, the available evidence is currently insufficient to determine the role of this variant in disease. Therefore, it has been classified as a Variant of Uncertain Significance.